The following is an entry in ClinVar:

ClinVar aggregate classification (germline): Likely benign (1 of 4 stars; one submission).

Conditions:
HARS2-related disorder. Also called: HARS2-related condition.

Submission:

PreventionGenetics, part of Exact Sciences
Classification: Likely benign for HARS2-related condition. Last evaluated: 2026-05-28. Review status: criteria provided, single submitter. Criteria: ACMG Guidelines, 2015. Collection method: clinical testing. Allele origin: germline.
Comment: This variant is classified as likely benign based on ACMG/AMP sequence variant interpretation guidelines (Richards et al. 2015 PMID: 25741868, with internal and published modifications).

NM_012208.4(HARS2):c.1104G>A (p.Val368=)

Gene: HARS2 (histidyl-tRNA synthetase 2, mitochondrial; plus strand). Cytogenetic location: 5q31.3.
Variant type: single nucleotide variant.
Coding change: c.1104G>A on transcript NM_012208.4 (MANE Select); coding-DNA position 1104, G replaced by A.
Protein change: p.Val368=; no amino-acid change (valine 368 retained).
Molecular consequence: synonymous variant.
Genome position (GRCh38, 1-based): chr5:140,697,313, G>A. VCF-style: chr5-140697313-G-A. GRCh37 (hg19) VCF-style: chr5-140076898-G-A.
Other names: c.1029G>A, p.Val343= (NM_001278731.2); c.672G>A, p.Val224= (NM_001278732.2); c.1122G>A, p.Val374= (NM_001363535.2); c.894G>A, p.Val298= (NM_001363536.2).
Identifiers: ClinVar variation 4978876 (VCV004978876.1).